The following is an entry in ClinVar:

NM_001256071.3(RNF213):c.7757G>A (p.Ser2586Asn)

Gene: RNF213 (ring finger protein 213; plus strand). Cytogenetic location: 17q25.3.
Variant type: single nucleotide variant.
Coding change: c.7757G>A on transcript NM_001256071.3 (MANE Select); coding-DNA position 7757, G replaced by A.
Protein change: p.Ser2586Asn; replaces serine 2586 with asparagine.
Molecular consequence: missense variant.
Genome position (GRCh38, 1-based): chr17:80,346,092, G>A. VCF-style: chr17-80346092-G-A. GRCh37 (hg19) VCF-style: chr17-78319892-G-A.
Other names: c.7904G>A, p.Ser2635Asn (NM_001410195.1, NM_020914.5); short protein forms S2586N, S2635N.
Identifiers: ClinVar variation 4088189 (VCV004088189.1).

ClinVar aggregate classification (germline): Uncertain significance (1 of 4 stars; one submission).

Submission:

GeneDx
Classification: Uncertain significance. Last evaluated: 2025-03-28. Review status: criteria provided, single submitter. Criteria: GeneDx Variant Classification Process June 2021. Collection method: clinical testing. Allele origin: germline. Affected: yes.
Comment: Not observed at significant frequency in large population cohorts (gnomAD); In silico analysis indicates that this missense variant does not alter protein structure/function; Has not been previously published as pathogenic or benign to our knowledge